The following is an entry in ClinVar:

ClinVar aggregate classification (germline): Benign/Likely benign. Review status: criteria provided, multiple submitters, no conflicts (2 of 4 stars). 12 submissions from 12 submitters: Benign (8); Likely benign (4). Last evaluated 2026-02-02.

Conditions:
Hereditary cancer-predisposing syndrome. Also called: Tumor predisposition; Hereditary neoplastic syndrome; Neoplastic Syndromes, Hereditary; Hereditary Cancer Syndrome. Identifiers: Orphanet 140162, MedGen C0027672, MeSH D009386, MONDO:0015356.
Tuberous sclerosis syndrome (TSC). Also called: Tuberous sclerosis; Tuberous Sclerosis Complex. Identifiers: Orphanet 805, MedGen C0041341, MONDO:0001734.
Tuberous sclerosis 2 (TSC2). Identifiers: Orphanet 805, MedGen C1860707, MONDO:0013199, OMIM 613254.

Allele frequency attached by ClinVar (database versions not stated): gnomAD exomes 0.00021 and 0.00043; ESP Exome Variant Server 0.00031; ExAC 0.00032; gnomAD 0.00050 and 0.00052; TOPMed 0.00085; 1000 Genomes Project 30x 0.00094; 1000 Genomes Project 0.00100.
gnomAD v4.1: 424 of 1,613,820 alleles (0.026%); highest among the groups gnomAD compares: Middle Eastern, 0.16%; 1 homozygote.

Submissions (12):

Labcorp Genetics (formerly Invitae), Labcorp
Classification: Benign for Tuberous sclerosis 2. Last evaluated: 2026-02-02. Review status: criteria provided, single submitter. Criteria: Invitae Variant Classification Sherloc (09022015). Collection method: clinical testing. Allele origin: germline.

Myriad Genetics, Inc.
Classification: Benign for Tuberous sclerosis 2. Last evaluated: 2025-05-21. Review status: criteria provided, single submitter. Criteria: Myriad Autosomal Dominant, Autosomal Recessive and X-Linked Classification Criteria (2023). Collection method: clinical testing. Allele origin: unknown.
Comment: This variant is considered benign. This variant is intronic and is not expected to impact mRNA splicing. This variant has been observed at a population frequency that is significantly greater than expected given the associated disease prevalence and penetrance.

Blueprint Genetics
Classification: Likely benign. Last evaluated: 2024-11-11. Review status: criteria provided, single submitter. Criteria: ACMG Guidelines, 2015. Collection method: clinical testing. Allele origin: germline.

All of Us Research Program, National Institutes of Health
Classification: Benign for Tuberous sclerosis syndrome. Last evaluated: 2024-02-05. Review status: criteria provided, single submitter. Criteria: ACMG Guidelines, 2015. Collection method: clinical testing. Allele origin: germline. Inheritance: Autosomal dominant inheritance. Observed: 151 variant alleles, 151 heterozygotes.
Comment: This study involves interpretation of variants in research participants for the purpose of population health screening. Participant phenotype was not available at the time of variant classification. Additional details can be found in publication PMID: 35346344, PMCID: PMC8962531

Department of Pathology and Laboratory Medicine, Sinai Health System
Classification: Likely benign for tuberous sclerosis. Last evaluated: 2023-11-01. Review status: criteria provided, single submitter. Criteria: ACMG Guidelines, 2015. Collection method: clinical testing. Allele origin: germline.

KCCC/NGS Laboratory, Kuwait Cancer Control Center
Classification: Benign for Tuberous sclerosis 2. Last evaluated: 2023-07-07. Review status: criteria provided, single submitter. Criteria: ACMG Guidelines, 2015. Collection method: clinical testing. Allele origin: germline. Affected: yes.

Color Diagnostics, LLC DBA Color Health
Classification: Benign for Tuberous sclerosis syndrome. Last evaluated: 2022-09-30. Review status: criteria provided, single submitter. Criteria: ACMG Guidelines, 2015. Collection method: clinical testing. Allele origin: germline.

Genome-Nilou Lab
Classification: Benign for Tuberous sclerosis 2. Last evaluated: 2021-11-07. Review status: criteria provided, single submitter. Criteria: ACMG Guidelines, 2015. Collection method: clinical testing. Allele origin: germline. Affected: no.

Sema4
Classification: Benign for Hereditary cancer-predisposing syndrome. Last evaluated: 2020-08-11. Review status: criteria provided, single submitter. Criteria: Sema4 Curation Guidelines. Collection method: curation. Allele origin: germline.

Illumina Laboratory Services, Illumina
Classification: Likely benign for Tuberous sclerosis syndrome. Last evaluated: 2018-01-12. Review status: criteria provided, single submitter. Criteria: ICSL Variant Classification Criteria 13 December 2019. Collection method: clinical testing. Allele origin: germline.
Comment: This variant was observed in the ICSL laboratory as part of a predisposition screen in an ostensibly healthy population. It had not been previously curated by ICSL or reported in the Human Gene Mutation Database (HGMD: prior to June 1st, 2018), and was therefore a candidate for classification through an automated scoring system. Utilizing variant allele frequency, disease prevalence and penetrance estimates, and inheritance mode, an automated score was calculated to assess if this variant is too frequent to cause the disease. Based on the score and internal cut-off values, a variant classified as likely benign is not then subjected to further curation. The score for this variant resulted in a classification of likely benign for this disease.

GeneDx
Classification: Benign. Last evaluated: 2013-09-25. Review status: criteria provided, single submitter. Criteria: GeneDx Variant Classification (06012015). Collection method: clinical testing. Allele origin: germline. Affected: yes.
Comment: This variant is considered likely benign or benign based on one or more of the following criteria: it is a conservative change, it occurs at a poorly conserved position in the protein, it is predicted to be benign by multiple in silico algorithms, and/or has population frequency not consistent with disease.

PreventionGenetics, part of Exact Sciences
Classification: Likely benign. Review status: criteria provided, single submitter. Criteria: ACMG Guidelines, 2015. Collection method: clinical testing. Allele origin: germline.

NM_000548.5(TSC2):c.2640-13C>T

Gene: TSC2 (TSC complex subunit 2; plus strand). Cytogenetic location: 16p13.3.
Variant type: single nucleotide variant.
Coding change: c.2640-13C>T on transcript NM_000548.5 (MANE Select); 13 bases into the intron before coding-DNA position 2640, C replaced by T.
Molecular consequence: intron variant.
Genome position (GRCh38, 1-based): chr16:2,076,055, C>T. VCF-style: chr16-2076055-C-T. GRCh37 (hg19) VCF-style: chr16-2126056-C-T.
Other names: c.2640-13C>T (NM_001114382.3, NM_021055.3, NM_001370405.1 and 4 more transcripts); c.2529-13C>T (NM_001318827.2); c.2040-13C>T (NM_001318831.2); c.2493-13C>T (NM_001318829.2); c.2673-13C>T (NM_001318832.2).
Identifiers: ClinVar variation 137742 (VCV000137742.22), dbSNP rs201184637, ClinGen allele CA017775.